The following is an entry in ClinVar:

ClinVar aggregate classification (germline): Uncertain significance (1 of 4 stars; one submission).

gnomAD v4.1: 17 of 1,538,422 alleles (0.0011%); highest among the groups gnomAD compares: South Asian, 0.0024%; no homozygotes.

Submission:

Ambry Genetics
Classification: Uncertain significance. Last evaluated: 2024-11-25. Review status: criteria provided, single submitter. Criteria: Ambry Variant Classification Scheme 2023. Collection method: clinical testing. Allele origin: germline.
Comment: The p.T719M variant (also known as c.2156C>T), located in coding exon 9 of the WNK2 gene, results from a C to T substitution at nucleotide position 2156. The threonine at codon 719 is replaced by methionine, an amino acid with similar properties. This amino acid position is conserved. In addition, this alteration is predicted to be tolerated by in silico analysis. Based on the available evidence, the clinical significance of this variant remains unclear.

NM_006648.4(WNK2):c.2156C>T (p.Thr719Met)

Gene: WNK2 (WNK lysine deficient protein kinase 2; plus strand). Cytogenetic location: 9q22.31.
Variant type: single nucleotide variant.
Coding change: c.2156C>T on transcript NM_006648.4 (MANE Select); coding-DNA position 2156, C replaced by T.
Protein change: p.Thr719Met; replaces threonine 719 with methionine.
Molecular consequence: missense variant.
Genome position (GRCh38, 1-based): chr9:93,256,420, C>T. VCF-style: chr9-93256420-C-T. GRCh37 (hg19) VCF-style: chr9-96018702-C-T.
Other names: c.2156C>T, p.Thr719Met (NM_001282394.3); short protein forms T719M.
Identifiers: ClinVar variation 3470406 (VCV003470406.1).